The following is an entry in ClinVar:

ClinVar aggregate classification (germline): Uncertain significance. Review status: criteria provided, multiple submitters, no conflicts (2 of 4 stars). 2 submissions from 2 submitters: Uncertain significance (2). Last evaluated 2025-01-27.

Conditions:
Inborn genetic diseases. Identifiers: MedGen C0950123, MeSH D030342.

Allele frequency attached by ClinVar (database versions not stated): ExAC 0.00002; TOPMed 0.00005; gnomAD 0.00007.
gnomAD v4.1: 28 of 1,613,864 alleles (0.0017%); highest among the groups gnomAD compares: African/African-American, 0.016%; no homozygotes.

Submissions (2):

Labcorp Genetics (formerly Invitae), Labcorp
Classification: Uncertain significance. Last evaluated: 2025-01-27. Review status: criteria provided, single submitter. Criteria: Invitae Variant Classification Sherloc (09022015). Collection method: clinical testing. Allele origin: germline.
Comment: This sequence change replaces arginine, which is basic and polar, with tryptophan, which is neutral and slightly polar, at codon 706 of the ROR2 protein (p.Arg706Trp). This variant is present in population databases (rs777577615, gnomAD 0.02%). This variant has not been reported in the literature in individuals affected with ROR2-related conditions. ClinVar contains an entry for this variant (Variation ID: 2907551). Invitae Evidence Modeling of protein sequence and biophysical properties (such as structural, functional, and spatial information, amino acid conservation, physicochemical variation, residue mobility, and thermodynamic stability) has been performed for this missense variant. However, the output from this modeling did not meet the statistical confidence thresholds required to predict the impact of this variant on ROR2 protein function. In summary, the available evidence is currently insufficient to determine the role of this variant in disease. Therefore, it has been classified as a Variant of Uncertain Significance.

Ambry Genetics
Classification: Uncertain significance for Inborn genetic diseases. Last evaluated: 2024-04-17. Review status: criteria provided, single submitter. Criteria: Ambry Variant Classification Scheme 2023. Collection method: clinical testing. Allele origin: germline.

NM_004560.4(ROR2):c.2116C>T (p.Arg706Trp)

Gene: ROR2 (ROR family WNT receptor 2; minus strand). Cytogenetic location: 9q22.31.
Variant type: single nucleotide variant.
Coding change: c.2116C>T on transcript NM_004560.4 (MANE Select); coding-DNA position 2116, C replaced by T.
Protein change: p.Arg706Trp; replaces arginine 706 with tryptophan.
Molecular consequence: missense variant.
Genome position (GRCh38, 1-based): chr9:91,724,378, G>A on the plus strand (C>T on the coding strand, the complement: ROR2 is on the minus strand). VCF-style: chr9-91724378-G-A. GRCh37 (hg19) VCF-style: chr9-94486660-G-A.
Other names: c.2116C>T (NM_004560.3); short protein forms R706W.
Identifiers: ClinVar variation 2907551 (VCV002907551.5), dbSNP rs777577615, ClinGen allele CA5120486.